The following is an entry in ClinVar:

NM_001267550.2(TTN):c.105780C>T (p.His35260=)

Genes: TTN-AS1 (TTN antisense RNA 1; plus strand), TTN (titin; minus strand), LOC129935183 (ATAC-STARR-seq lymphoblastoid active region 16808; plus strand). Cytogenetic location: 2q31.2.
Variant type: single nucleotide variant.
Coding change: c.105780C>T on transcript NM_001267550.2 (MANE Select); coding-DNA position 105780, C replaced by T.
Protein change: p.His35260=; no amino-acid change (histidine 35260 retained).
Molecular consequence: synonymous variant.
Genome position (GRCh38, 1-based): chr2:178,530,835, G>A on the plus strand (C>T on the coding strand, the complement: TTN is on the minus strand). VCF-style: chr2-178530835-G-A. GRCh37 (hg19) VCF-style: chr2-179395562-G-A.
Other names: c.100857C>T, p.His33619= (NM_001256850.1); c.78585C>T, p.His26195= (NM_003319.4); c.98076C>T, p.His32692= (NM_133378.4); c.78960C>T, p.His26320= (NM_133432.3); c.79161C>T, p.His26387= (NM_133437.4).
Identifiers: ClinVar variation 512905 (VCV000512905.11), dbSNP rs373486593, ClinGen allele CA60953692.

ClinVar aggregate classification (germline): Likely benign. Review status: criteria provided, multiple submitters, no conflicts (2 of 4 stars). 3 submissions from 3 submitters: Likely benign (3). Last evaluated 2023-06-04.

Conditions:
Autosomal recessive limb-girdle muscular dystrophy type 2J (LGMDR10). Also called: MUSCULAR DYSTROPHY, LIMB-GIRDLE, AUTOSOMAL RECESSIVE 10; Limb-girdle muscular dystrophy, type 2J. Identifiers: Orphanet 140922, MedGen C1837342, MONDO:0012127, OMIM 608807.
Dilated cardiomyopathy 1G (CMD1G). Identifiers: Orphanet 154, MedGen C1858763, MONDO:0011400, OMIM 604145.
Cardiovascular phenotype. Identifiers: MedGen CN230736.

Allele frequency attached by ClinVar (database versions not stated): gnomAD exomes below 0.00001; TOPMed 0.00001; ESP Exome Variant Server 0.00008.
gnomAD v4.1: 2 of 1,613,740 alleles (0.00012%); highest among the groups gnomAD compares: African/African-American, 0.0027%; no homozygotes.

Submissions (3):

Labcorp Genetics (formerly Invitae), Labcorp
Classification: Likely benign for Dilated cardiomyopathy 1G; Autosomal recessive limb-girdle muscular dystrophy type 2J. Last evaluated: 2023-06-04. Review status: criteria provided, single submitter. Criteria: Invitae Variant Classification Sherloc (09022015). Collection method: clinical testing. Allele origin: germline.

Ambry Genetics
Classification: Likely benign for Cardiovascular phenotype. Last evaluated: 2021-03-31. Review status: criteria provided, single submitter. Criteria: Ambry Variant Classification Scheme 2023. Collection method: clinical testing. Allele origin: germline.

GeneDx
Classification: Likely benign. Last evaluated: 2017-10-18. Review status: criteria provided, single submitter. Criteria: GeneDx Variant Classification (06012015). Collection method: clinical testing. Allele origin: germline. Affected: yes.
Comment: This variant is considered likely benign or benign based on one or more of the following criteria: it is a conservative change, it occurs at a poorly conserved position in the protein, it is predicted to be benign by multiple in silico algorithms, and/or has population frequency not consistent with disease.